The following is an entry in ClinVar:

NM_001377.3(DYNC2H1):c.1243C>T (p.Gln415Ter)

Gene: DYNC2H1 (dynein cytoplasmic 2 heavy chain 1; plus strand). Cytogenetic location: 11q22.3.
Variant type: single nucleotide variant.
Coding change: c.1243C>T on transcript NM_001377.3 (MANE Select); coding-DNA position 1243, C replaced by T.
Protein change: p.Gln415Ter; replaces glutamine 415 with a stop codon.
Molecular consequence: nonsense.
Genome position (GRCh38, 1-based): chr11:103,120,797, C>T. VCF-style: chr11-103120797-C-T. GRCh37 (hg19) VCF-style: chr11-102991526-C-T.
Other names: c.1243C>T, p.Gln415Ter (NM_001080463.2); c.1243C>T (NM_001080463.1); short protein forms Q415*.
Identifiers: ClinVar variation 2958205 (VCV002958205.5), dbSNP rs777277500, ClinGen allele CA382251173.
Genomic context (GRCh38, chr11:103,120,797, plus strand): 5'-GCGGAACAAAAAATAGCAGGAAAATTGAAAAATTATATTTCAGAAATTCAAGACAGTCCA[C>T]AGCAGGTAAAACATTGAGATATTTCACTTTTAATATTTCTCTTAAGCTAATATATATATA-3'

ClinVar aggregate classification (germline): Pathogenic. Review status: criteria provided, multiple submitters, no conflicts (2 of 4 stars). 3 submissions from 3 submitters: Pathogenic (3). Last evaluated 2025-07-21.

Conditions:
Jeune thoracic dystrophy. Also called: Short-rib thoracic dysplasia; Jeune syndrome; Infantile thoracic dystrophy; Thoracic pelvic phalangeal dystrophy; Jeune's syndrome; Chondroectodermal dysplasia-like syndrome. Identifiers: Orphanet 474, MedGen C0265275, MONDO:0018770.
Asphyxiating thoracic dystrophy 3. Also called: POLYDACTYLY WITH NEONATAL CHONDRODYSTROPHY, TYPE I; SHORT-RIB THORACIC DYSPLASIA 3/6 WITH POLYDACTYLY, DIGENIC; Short rib polydactyly syndrome 2B; SHORT-RIB THORACIC DYSPLASIA 3 WITH OR WITHOUT POLYDACTYLY; Saldino-Noonan Syndrome. Identifiers: Orphanet 474, Orphanet 93269, Orphanet 93270, Orphanet 93271, MedGen C0036069, MONDO:0013127, OMIM 613091.

Allele frequency attached by ClinVar (database versions not stated): TOPMed below 0.00001; gnomAD 0.00001.

Submissions (3):

GeneDx
Classification: Pathogenic. Last evaluated: 2025-07-21. Review status: criteria provided, single submitter. Criteria: GeneDx Variant Classification Process June 2021. Collection method: clinical testing. Allele origin: germline. Affected: yes.
Comment: Reported in a patient with myelomeningocele in published literature (PMID: 33574475); Nonsense variant predicted to result in protein truncation or nonsense mediated decay in a gene for which loss of function is a known mechanism of disease; Not observed at significant frequency in large population cohorts (gnomAD); This variant is associated with the following publications: (PMID: 33574475)

Myriad Genetics, Inc.
Classification: Pathogenic for Asphyxiating thoracic dystrophy 3. Last evaluated: 2024-04-24. Review status: criteria provided, single submitter. Criteria: Myriad Autosomal Dominant, Autosomal Recessive and X-Linked Classification Criteria (2023). Collection method: clinical testing. Allele origin: unknown.
Comment: NM_001377.2(DYNC2H1):c.1243C>T(Q415*) is expected to be pathogenic in the context of DYNC2H1-related disorders. This variant is predicted to lead to an abnormal or absent protein product due to the creation of a premature termination codon in DYNC2H1, a gene where loss-of-function variants are known to be pathogenic. Please note: this variant was assessed in the context of healthy population screening.

Labcorp Genetics (formerly Invitae), Labcorp
Classification: Pathogenic for Jeune thoracic dystrophy. Last evaluated: 2023-10-13. Review status: criteria provided, single submitter. Criteria: Invitae Variant Classification Sherloc (09022015). Collection method: clinical testing. Allele origin: germline.
Comment: This sequence change creates a premature translational stop signal (p.Gln415*) in the DYNC2H1 gene. It is expected to result in an absent or disrupted protein product. Loss-of-function variants in DYNC2H1 are known to be pathogenic (PMID: 23339108, 32753734, 33755199). This variant is present in population databases (no rsID available, gnomAD 0.01%). This variant has not been reported in the literature in individuals affected with DYNC2H1-related conditions. For these reasons, this variant has been classified as Pathogenic.

Literature cited by the submitters: PubMed 23339108 (cited by Labcorp Genetics (formerly Invitae), Labcorp); PubMed 32753734 (cited by Labcorp Genetics (formerly Invitae), Labcorp); PubMed 33755199 (cited by Labcorp Genetics (formerly Invitae), Labcorp).